The following is an entry in ClinVar:

ClinVar aggregate classification (germline): Uncertain significance. Review status: criteria provided, multiple submitters, no conflicts (2 of 4 stars). 2 submissions from 2 submitters: Uncertain significance (2). Last evaluated 2024-05-06.

Allele frequency attached by ClinVar (database versions not stated): gnomAD 0.00001; gnomAD exomes below 0.00001; TOPMed 0.00003.
gnomAD v4.1: 21 of 1,613,424 alleles (0.0013%); highest among the groups gnomAD compares: East Asian, 0.0067%; no homozygotes.

Submissions (2):

Labcorp Genetics (formerly Invitae), Labcorp
Classification: Uncertain significance. Last evaluated: 2024-05-06. Review status: criteria provided, single submitter. Criteria: Invitae Variant Classification Sherloc (09022015). Collection method: clinical testing. Allele origin: germline.
Comment: This sequence change replaces threonine, which is neutral and polar, with methionine, which is neutral and non-polar, at codon 621 of the KIF23 protein (p.Thr621Met). This variant is present in population databases (rs374809602, gnomAD no frequency). This variant has not been reported in the literature in individuals affected with KIF23-related conditions. ClinVar contains an entry for this variant (Variation ID: 2591934). Advanced modeling of protein sequence and biophysical properties (such as structural, functional, and spatial information, amino acid conservation, physicochemical variation, residue mobility, and thermodynamic stability) performed at Invitae indicates that this missense variant is not expected to disrupt KIF23 protein function with a negative predictive value of 80%. In summary, the available evidence is currently insufficient to determine the role of this variant in disease. Therefore, it has been classified as a Variant of Uncertain Significance.

Ambry Genetics
Classification: Uncertain significance. Last evaluated: 2023-08-20. Review status: criteria provided, single submitter. Criteria: Ambry Variant Classification Scheme 2023. Collection method: clinical testing. Allele origin: germline.

NM_001367805.3(KIF23):c.1904C>T (p.Thr635Met)

Gene: KIF23 (kinesin family member 23; plus strand). Cytogenetic location: 15q23.
Variant type: single nucleotide variant.
Coding change: c.1904C>T on transcript NM_001367805.3 (MANE Select); coding-DNA position 1904, C replaced by T.
Protein change: p.Thr635Met; replaces threonine 635 with methionine.
Molecular consequence: missense variant. On other transcripts: non-coding transcript variant (2).
Genome position (GRCh38, 1-based): chr15:69,440,052, C>T. VCF-style: chr15-69440052-C-T. GRCh37 (hg19) VCF-style: chr15-69732391-C-T.
Other names: c.1532C>T, p.Thr511Met (NM_001281301.2); c.1862C>T, p.Thr621Met (NM_001367804.2, NM_004856.7, NM_138555.4); short protein forms T635M, T511M, T621M.
Identifiers: ClinVar variation 2591934 (VCV002591934.5), dbSNP rs374809602, ClinGen allele CA272525599.